The following is an entry in ClinVar:

ClinVar aggregate classification (germline): Likely benign. Review status: criteria provided, single submitter (1 of 4 stars). 2 submissions from 2 submitters: Likely benign (1). 1 of the submissions does not count toward it. Last evaluated 2024-01-12.

Conditions:
GALNT3-related disorder. Also called: GALNT3-related condition.

Allele frequency attached by ClinVar (database versions not stated): gnomAD 0.00003; TOPMed 0.00003; ExAC 0.00004; ESP Exome Variant Server 0.00008.
gnomAD v4.1: 31 of 1,614,116 alleles (0.0019%); highest among the groups gnomAD compares: Non-Finnish European, 0.00068%; no homozygotes.

Submissions (2):

Labcorp Genetics (formerly Invitae), Labcorp
Classification: Likely benign. Last evaluated: 2024-01-12. Review status: criteria provided, single submitter. Criteria: Invitae Variant Classification Sherloc (09022015). Collection method: clinical testing. Allele origin: germline.

PreventionGenetics, part of Exact Sciences
Classification: Likely benign for GALNT3-related condition. Last evaluated: 2019-07-11. Review status: no assertion criteria provided. Collection method: clinical testing. Allele origin: germline. Not counted in ClinVar's aggregate classification.
Comment: This variant is classified as likely benign based on ACMG/AMP sequence variant interpretation guidelines (Richards et al. 2015 PMID: 25741868, with internal and published modifications).

NM_004482.4(GALNT3):c.204A>G (p.Glu68=)

Gene: GALNT3 (polypeptide N-acetylgalactosaminyltransferase 3; minus strand). Cytogenetic location: 2q24.3.
Variant type: single nucleotide variant.
Coding change: c.204A>G on transcript NM_004482.4 (MANE Select); coding-DNA position 204, A replaced by G.
Protein change: p.Glu68=; no amino-acid change (glutamic acid 68 retained).
Molecular consequence: synonymous variant.
Genome position (GRCh38, 1-based): chr2:165,770,497, T>C on the plus strand (A>G on the coding strand, the complement: GALNT3 is on the minus strand). VCF-style: chr2-165770497-T-C. GRCh37 (hg19) VCF-style: chr2-166627007-T-C.
Other names: c.204A>G (NM_004482.3).
Identifiers: ClinVar variation 2157051 (VCV002157051.6), dbSNP rs201112446, ClinGen allele CA1941272.
Genomic context (GRCh38, chr2:165,770,497, plus strand): 5'-TTGCCTGACAGGTGCTCCTATTTGCATTTTTGGCATGGCATCCTTAATATTGTTTACAGC[T>C]TCTAGCATTAAATCCAACATCTTGTTTTTGTTTTTCATGTTCCTTTCCATCCTTGATTCC-3'
Protein context (NP_004473.2, residues 58-78): NKNKMLDLML[Glu68=]AVNNIKDAMP